The following is an entry in ClinVar:

NM_000435.3(NOTCH3):c.5761A>G (p.Met1921Val)

Gene: NOTCH3 (notch receptor 3; minus strand). Cytogenetic location: 19p13.12.
Variant type: single nucleotide variant.
Coding change: c.5761A>G on transcript NM_000435.3 (MANE Select); coding-DNA position 5761, A replaced by G.
Protein change: p.Met1921Val; replaces methionine 1921 with valine.
Molecular consequence: missense variant.
Genome position (GRCh38, 1-based): chr19:15,165,422, T>C on the plus strand (A>G on the coding strand, the complement: NOTCH3 is on the minus strand). VCF-style: chr19-15165422-T-C. GRCh37 (hg19) VCF-style: chr19-15276233-T-C.
Other names: short protein forms M1921V.
Identifiers: ClinVar variation 4812028 (VCV004812028.1).

ClinVar aggregate classification (germline): Uncertain significance (1 of 4 stars; one submission).

Submission:

Labcorp Genetics (formerly Invitae), Labcorp
Classification: Uncertain significance. Last evaluated: 2025-10-13. Review status: criteria provided, single submitter. Criteria: Invitae Variant Classification Sherloc (09022015). Collection method: clinical testing. Allele origin: germline.
Comment: This sequence change replaces methionine, which is neutral and non-polar, with valine, which is neutral and non-polar, at codon 1921 of the NOTCH3 protein (p.Met1921Val). This variant is not present in population databases (gnomAD no frequency). This variant has not been reported in the literature in individuals affected with NOTCH3-related conditions. Invitae Evidence Modeling of protein sequence and biophysical properties (such as structural, functional, and spatial information, amino acid conservation, physicochemical variation, residue mobility, and thermodynamic stability) indicates that this missense variant is not expected to disrupt NOTCH3 protein function with a negative predictive value of 95%. In summary, the available evidence is currently insufficient to determine the role of this variant in disease. Therefore, it has been classified as a Variant of Uncertain Significance.